The following is an entry in ClinVar:

ClinVar aggregate classification (germline): Uncertain significance. Review status: criteria provided, multiple submitters, no conflicts (2 of 4 stars). 4 submissions from 4 submitters: Uncertain significance (4). Last evaluated 2025-12-14.

Conditions:
Hereditary cancer-predisposing syndrome. Also called: Tumor predisposition; Neoplastic Syndromes, Hereditary; Hereditary neoplastic syndrome; Hereditary Cancer Syndrome. Identifiers: Orphanet 140162, MedGen C0027672, MeSH D009386, MONDO:0015356.

Allele frequency attached by ClinVar (database versions not stated): gnomAD 0.00001; gnomAD exomes 0.00001 and 0.00004; ExAC 0.00002; TOPMed 0.00002.

Submissions (4):

Labcorp Genetics (formerly Invitae), Labcorp
Classification: Uncertain significance. Last evaluated: 2025-12-14. Review status: criteria provided, single submitter. Criteria: Invitae Variant Classification Sherloc (09022015). Collection method: clinical testing. Allele origin: germline.
Comment: This sequence change replaces methionine, which is neutral and non-polar, with threonine, which is neutral and polar, at codon 144 of the RECQL protein (p.Met144Thr). This variant is present in population databases (rs751285035, gnomAD 0.003%). This variant has not been reported in the literature in individuals affected with RECQL-related conditions. ClinVar contains an entry for this variant (Variation ID: 584819). Invitae Evidence Modeling of protein sequence and biophysical properties (such as structural, functional, and spatial information, amino acid conservation, physicochemical variation, residue mobility, and thermodynamic stability) indicates that this missense variant is expected to disrupt RECQL protein function with a positive predictive value of 80%. In summary, the available evidence is currently insufficient to determine the role of this variant in disease. Therefore, it has been classified as a Variant of Uncertain Significance.

Ambry Genetics
Classification: Uncertain significance. Last evaluated: 2024-10-11. Review status: criteria provided, single submitter. Criteria: Ambry Variant Classification Scheme 2023. Collection method: clinical testing. Allele origin: germline.
Comment: The p.M144T variant (also known as c.431T>C), located in coding exon 4 of the RECQL gene, results from a T to C substitution at nucleotide position 431. The methionine at codon 144 is replaced by threonine, an amino acid with similar properties. This amino acid position is highly conserved in available vertebrate species. In addition, this alteration is predicted to be deleterious by in silico analysis. Since supporting evidence is limited at this time, the clinical significance of this alteration remains unclear.

GeneDx
Classification: Uncertain significance. Last evaluated: 2024-07-08. Review status: criteria provided, single submitter. Criteria: GeneDx Variant Classification Process June 2021. Collection method: clinical testing. Allele origin: germline. Affected: yes.
Comment: Not observed at significant frequency in large population cohorts (gnomAD); In silico analysis supports that this missense variant has a deleterious effect on protein structure/function; Has not been previously published as pathogenic or benign to our knowledge; Variants in candidate genes are classified as variants of uncertain significance in accordance with ACMG guidelines (PMID: 25741868); This variant is associated with the following publications: (PMID: 19151156, 27248010)

Mendelics
Classification: Uncertain significance for Hereditary cancer-predisposing syndrome. Last evaluated: 2018-07-02. Review status: criteria provided, single submitter. Criteria: Mendelics Assertion Criteria 2017. Collection method: clinical testing. Allele origin: unknown.

NM_002907.4(RECQL):c.431T>C (p.Met144Thr)

Gene: RECQL (RecQ like helicase; minus strand). Cytogenetic location: 12p12.1.
Variant type: single nucleotide variant.
Coding change: c.431T>C on transcript NM_002907.4 (MANE Select); coding-DNA position 431, T replaced by C.
Protein change: p.Met144Thr; replaces methionine 144 with threonine.
Molecular consequence: missense variant.
Genome position (GRCh38, 1-based): chr12:21,486,549, A>G on the plus strand (T>C on the coding strand, the complement: RECQL is on the minus strand). VCF-style: chr12-21486549-A-G. GRCh37 (hg19) VCF-style: chr12-21639483-A-G.
Other names: c.431T>C, p.Met144Thr (NM_032941.3); short protein forms M144T.
Identifiers: ClinVar variation 584819 (VCV000584819.20), dbSNP rs751285035, ClinGen allele CA6479074.